The following is an entry in ClinVar:

ClinVar aggregate classification (germline): Uncertain significance. Review status: criteria provided, multiple submitters, no conflicts (2 of 4 stars). 3 submissions from 3 submitters: Uncertain significance (3). Last evaluated 2026-06-24.

Conditions:
Inborn genetic diseases. Identifiers: MedGen C0950123, MeSH D030342.
KMT2A-related disorder. Also called: KMT2A-related condition.

Allele frequency attached by ClinVar (database versions not stated): gnomAD exomes below 0.00001; gnomAD 0.00001; TOPMed 0.00001.

Submissions (3):

PreventionGenetics, part of Exact Sciences
Classification: Uncertain significance for KMT2A-related condition. Last evaluated: 2026-06-24. Review status: criteria provided, single submitter. Criteria: ACMG Guidelines, 2015. Collection method: clinical testing. Allele origin: germline.
Comment: The KMT2A c.779C>T variant is predicted to result in the amino acid substitution p.Pro260Leu. To our knowledge, this variant has not been reported in the literature or in a large population database (gnomAD), indicating this variant is rare. At this time, the clinical significance of this variant is uncertain due to the absence of conclusive functional and genetic evidence.

Labcorp Genetics (formerly Invitae), Labcorp
Classification: Uncertain significance. Last evaluated: 2025-04-11. Review status: criteria provided, single submitter. Criteria: Invitae Variant Classification Sherloc (09022015). Collection method: clinical testing. Allele origin: germline.
Comment: This sequence change replaces proline, which is neutral and non-polar, with leucine, which is neutral and non-polar, at codon 260 of the KMT2A protein (p.Pro260Leu). This variant is not present in population databases (gnomAD no frequency). This variant has not been reported in the literature in individuals affected with KMT2A-related conditions. ClinVar contains an entry for this variant (Variation ID: 2803062). Invitae Evidence Modeling of protein sequence and biophysical properties (such as structural, functional, and spatial information, amino acid conservation, physicochemical variation, residue mobility, and thermodynamic stability) has been performed for this missense variant. However, the output from this modeling did not meet the statistical confidence thresholds required to predict the impact of this variant on KMT2A protein function. In summary, the available evidence is currently insufficient to determine the role of this variant in disease. Therefore, it has been classified as a Variant of Uncertain Significance.

Ambry Genetics
Classification: Uncertain significance for Inborn genetic diseases. Last evaluated: 2023-11-20. Review status: criteria provided, single submitter. Criteria: Ambry Variant Classification Scheme 2023. Collection method: clinical testing. Allele origin: germline.

NM_001197104.2(KMT2A):c.779C>T (p.Pro260Leu)

Gene: KMT2A (lysine methyltransferase 2A; plus strand). Cytogenetic location: 11q23.3.
Variant type: single nucleotide variant.
Coding change: c.779C>T on transcript NM_001197104.2 (MANE Select); coding-DNA position 779, C replaced by T.
Protein change: p.Pro260Leu; replaces proline 260 with leucine.
Molecular consequence: missense variant.
Genome position (GRCh38, 1-based): chr11:118,471,938, C>T. VCF-style: chr11-118471938-C-T. GRCh37 (hg19) VCF-style: chr11-118342653-C-T.
Other names: c.878C>T, p.Pro293Leu (NM_001412597.1); c.779C>T, p.Pro260Leu (NM_005933.4); short protein forms P293L, P260L.
Identifiers: ClinVar variation 2803062 (VCV002803062.5), dbSNP rs1376699515, ClinGen allele CA382807853.